The following is an entry in ClinVar:

ClinVar aggregate classification (germline): Uncertain significance. Review status: criteria provided, multiple submitters, no conflicts (2 of 4 stars). 5 submissions from 5 submitters: Uncertain significance (5). Last evaluated 2024-09-06.

Conditions:
Aortic aneurysm, familial thoracic 4 (AAT4). Also called: AORTIC ANEURYSM/AORTIC DISSECTION AND PATENT DUCTUS ARTERIOSUS. Identifiers: MedGen C1851504, MONDO:0007568, OMIM 132900.
Familial thoracic aortic aneurysm and aortic dissection (TAAD). Also called: Thoracic aortic aneurysms and dissections. Identifiers: Orphanet 91387, MedGen C4707243, MONDO:0019625.

Allele frequency attached by ClinVar (database versions not stated): gnomAD exomes below 0.00001.
gnomAD v4.1: 6 of 1,614,178 alleles (0.00037%); highest among the groups gnomAD compares: East Asian, 0.0022%; no homozygotes.

Submissions (5):

Centre of Medical Genetics, University of Antwerp
Classification: Uncertain significance for Familial thoracic aortic aneurysm and aortic dissection. Last evaluated: 2024-09-06. Review status: criteria provided, single submitter. Criteria: ACMG Guidelines, 2015. Collection method: clinical testing. Allele origin: germline. Affected: yes.

Color Diagnostics, LLC DBA Color Health
Classification: Uncertain significance for Familial thoracic aortic aneurysm and aortic dissection. Last evaluated: 2024-03-07. Review status: criteria provided, single submitter. Criteria: ACMG Guidelines, 2015. Collection method: clinical testing. Allele origin: germline.
Comment: This missense variant replaces glutamic acid with lysine at codon 1519 of the MYH11 protein. Computational prediction suggests that this variant may have deleterious impact on protein structure and function (internally defined REVEL score threshold >= 0.7, PMID: 27666373). To our knowledge, functional studies have not been reported for this variant. This variant has not been reported in individuals affected with MYH11-related disorders in the literature. This variant has not been identified in the general population by the Genome Aggregation Database (gnomAD). The available evidence is insufficient to determine the role of this variant in disease conclusively. Therefore, this variant is classified as a Variant of Uncertain Significance.

All of Us Research Program, National Institutes of Health
Classification: Uncertain significance for Familial thoracic aortic aneurysm and aortic dissection. Last evaluated: 2023-11-30. Review status: criteria provided, single submitter. Criteria: ACMG Guidelines, 2015. Collection method: clinical testing. Allele origin: germline. Inheritance: Autosomal dominant inheritance. Observed: 3 variant alleles, 3 heterozygotes.
Comment: This missense variant replaces glutamic acid with lysine at codon 1519 of the MYH11 protein. Computational prediction suggests that this variant may have deleterious impact on protein structure and function (internally defined REVEL score threshold >= 0.7, PMID: 27666373). To our knowledge, functional studies have not been reported for this variant. This variant has not been reported in individuals affected with cardiovascular disorders in the literature. This variant has not been identified in the general population by the Genome Aggregation Database (gnomAD). The available evidence is insufficient to determine the role of this variant in disease conclusively. Therefore, this variant is classified as a Variant of Uncertain Significance.

This study involves interpretation of variants in research participants for the purpose of population health screening. Participant phenotype was not available at the time of variant classification. Additional details can be found in publication PMID: 35346344, PMCID: PMC8962531

Labcorp Genetics (formerly Invitae), Labcorp
Classification: Uncertain significance for Aortic aneurysm, familial thoracic 4. Last evaluated: 2022-11-26. Review status: criteria provided, single submitter. Criteria: Invitae Variant Classification Sherloc (09022015). Collection method: clinical testing. Allele origin: germline.
Comment: This sequence change replaces glutamic acid, which is acidic and polar, with lysine, which is basic and polar, at codon 1519 of the MYH11 protein (p.Glu1519Lys). This variant is not present in population databases (gnomAD no frequency). This variant has not been reported in the literature in individuals affected with MYH11-related conditions. ClinVar contains an entry for this variant (Variation ID: 1172332). Advanced modeling of protein sequence and biophysical properties (such as structural, functional, and spatial information, amino acid conservation, physicochemical variation, residue mobility, and thermodynamic stability) performed at Invitae indicates that this missense variant is not expected to disrupt MYH11 protein function. In summary, the available evidence is currently insufficient to determine the role of this variant in disease. Therefore, it has been classified as a Variant of Uncertain Significance.

Blueprint Genetics
Classification: Uncertain significance. Last evaluated: 2019-08-09. Review status: criteria provided, single submitter. Criteria: ACMG Guidelines, 2015. Collection method: clinical testing. Allele origin: germline.

NM_002474.3(MYH11):c.4534G>A (p.Glu1512Lys)

Genes: MYH11 (myosin heavy chain 11; minus strand), NDE1 (nudE neurodevelopment protein 1; plus strand). Cytogenetic location: 16p13.11.
Variant type: single nucleotide variant.
Coding change: c.4534G>A on transcript NM_002474.3 (MANE Select); coding-DNA position 4534, G replaced by A.
Protein change: p.Glu1512Lys; replaces glutamic acid 1512 with lysine.
Molecular consequence: missense variant. On other transcripts: intron variant (2).
Genome position (GRCh38, 1-based): chr16:15,721,466, C>T on the plus strand (G>A on the coding strand, the complement: MYH11 is on the minus strand). VCF-style: chr16-15721466-C-T. GRCh37 (hg19) VCF-style: chr16-15815323-C-T.
Other names: c.4555G>A, p.Glu1519Lys (NM_001040113.2, NM_001040114.2); c.4534G>A, p.Glu1512Lys (NM_022844.3); c.948-2725C>T (NM_001143979.2, NM_017668.3); short protein forms E1512K, E1519K.
Identifiers: ClinVar variation 1172332 (VCV001172332.10), dbSNP rs1596721070, ClinGen allele CA394854965.
Genomic context (GRCh38, chr16:15,721,466, plus strand): 5'-ACCCAGAGCCACTTACGTTCTTGCCCACGTCATCCTTGGAGCTGACCAGGTCTTCCATTT[C>T]GGCTTTGAGCATTTTGTTGGTCCGCTCGAGTTCCTCTTTGGCTTCCAAGGCCTCTTCAAG-3'
Protein context (NP_002465.1, residues 1502-1522): LERTNKMLKA[Glu1512Lys]MEDLVSSKDD